The following is an entry in ClinVar:

NM_001370466.1(NOD2):c.1222A>G (p.Arg408Gly)

Gene: NOD2 (nucleotide binding oligomerization domain containing 2; plus strand). Cytogenetic location: 16q12.1.
Variant type: single nucleotide variant.
Coding change: c.1222A>G on transcript NM_001370466.1 (MANE Select); coding-DNA position 1222, A replaced by G.
Protein change: p.Arg408Gly; replaces arginine 408 with glycine.
Molecular consequence: missense variant. On other transcripts: non-coding transcript variant (1).
Genome position (GRCh38, 1-based): chr16:50,711,214, A>G. VCF-style: chr16-50711214-A-G. GRCh37 (hg19) VCF-style: chr16-50745125-A-G.
Other names: c.1222A>G, p.Arg408Gly (NM_001293557.2); c.1303A>G, p.Arg435Gly (NM_022162.3); short protein forms R408G, R435G.
Identifiers: ClinVar variation 1017569 (VCV001017569.9), dbSNP rs768389547, ClinGen allele CA8051513.
Genomic context (GRCh38, chr16:50,711,214, plus strand): 5'-CTGCTGAAGAATGCCCGCAAGGTGGTGACCAGCCGTCCGGCCGCTGTGTCGGCGTTCCTC[A>G]GGAAGTACATCCGCACCGAGTTCAACCTCAAGGGCTTCTCTGAACAGGGCATCGAGCTGT-3'
Protein context (NP_001357395.1, residues 398-418): SRPAAVSAFL[Arg408Gly]KYIRTEFNLK

ClinVar aggregate classification (germline): Uncertain significance (1 of 4 stars; one submission).

Conditions:
Blau syndrome (BLAUS). Also called: GRANULOMATOSIS, FAMILIAL JUVENILE SYSTEMIC; GRANULOMATOSIS, FAMILIAL, BLAU TYPE; GRANULOMATOUS INFLAMMATORY ARTHRITIS, DERMATITIS, AND UVEITIS, FAMILIAL; JABS SYNDROME; ARTHROCUTANEOUVEAL GRANULOMATOSIS. Identifiers: Orphanet 90340, MedGen C5201146, MONDO:0008523, OMIM 186580.
Regional enteritis. Also called: Enteritis, Granulomatous. Identifiers: MedGen C0678202, MeSH D003424.

Allele frequency attached by ClinVar (database versions not stated): gnomAD exomes below 0.00001 and 0.00001; ExAC 0.00001; gnomAD 0.00001; TOPMed 0.00002.
gnomAD v4.1: 8 of 1,613,906 alleles (0.0005%); highest among the groups gnomAD compares: Admixed American, 0.0033%; no homozygotes.

Submission:

Labcorp Genetics (formerly Invitae), Labcorp
Classification: Uncertain significance for Regional enteritis; Blau syndrome. Last evaluated: 2022-09-05. Review status: criteria provided, single submitter. Criteria: Invitae Variant Classification Sherloc (09022015). Collection method: clinical testing. Allele origin: germline.
Comment: This variant has not been reported in the literature in individuals affected with NOD2-related conditions. ClinVar contains an entry for this variant (Variation ID: 1017569). Advanced modeling of protein sequence and biophysical properties (such as structural, functional, and spatial information, amino acid conservation, physicochemical variation, residue mobility, and thermodynamic stability) performed at Invitae indicates that this missense variant is not expected to disrupt NOD2 protein function. In summary, the available evidence is currently insufficient to determine the role of this variant in disease. Therefore, it has been classified as a Variant of Uncertain Significance. This sequence change replaces arginine, which is basic and polar, with glycine, which is neutral and non-polar, at codon 435 of the NOD2 protein (p.Arg435Gly). This variant is present in population databases (rs768389547, gnomAD 0.006%).